The following is an entry in ClinVar:

NM_021870.3(FGG):c.189C>G (p.Asp63Glu)

Gene: FGG (fibrinogen gamma chain; minus strand). Cytogenetic location: 4q32.1.
Variant type: single nucleotide variant.
Coding change: c.189C>G on transcript NM_021870.3 (MANE Select); coding-DNA position 189, C replaced by G.
Protein change: p.Asp63Glu; replaces aspartic acid 63 with glutamic acid.
Molecular consequence: missense variant.
Genome position (GRCh38, 1-based): chr4:154,612,136, G>C on the plus strand (C>G on the coding strand, the complement: FGG is on the minus strand). VCF-style: chr4-154612136-G-C. GRCh37 (hg19) VCF-style: chr4-155533288-G-C.
Other names: c.189C>G, p.Asp63Glu (NM_000509.6); short protein forms D63E.
Identifiers: ClinVar variation 2911234 (VCV002911234.3), dbSNP rs145914446, ClinGen allele CA3115713.
Genomic context (GRCh38, chr4:154,612,136, plus strand): 5'-GACTTCTGATGTTTTGTTTTCAACTTGATGTAAGATGTCTTCCAAAGACTGTAGATCCTT[G>C]TCTACTTTGGTTTGATAAGTAGACAGGAAATCTGCAATGCCACAGGTAGTTGGACAATAA-3'
Protein context (NP_068656.2, residues 53-73): DFLSTYQTKV[Asp63Glu]KDLQSLEDIL

ClinVar aggregate classification (germline): Uncertain significance (1 of 4 stars; one submission).

Allele frequency attached by ClinVar (database versions not stated): gnomAD 0.00006; 1000 Genomes Project 30x 0.00016; ExAC 0.00011; ESP Exome Variant Server 0.00015; 1000 Genomes Project 0.00020; TOPMed 0.00009.
gnomAD v4.1: 156 of 1,612,124 alleles (0.0097%); highest among the groups gnomAD compares: East Asian, 0.21%; no homozygotes.

Submission:

Labcorp Genetics (formerly Invitae), Labcorp
Classification: Uncertain significance. Last evaluated: 2025-07-29. Review status: criteria provided, single submitter. Criteria: Invitae Variant Classification Sherloc (09022015). Collection method: clinical testing. Allele origin: germline.
Comment: This sequence change replaces aspartic acid, which is acidic and polar, with glutamic acid, which is acidic and polar, at codon 63 of the FGG protein (p.Asp63Glu). This variant is present in population databases (rs145914446, gnomAD 0.05%). This variant has not been reported in the literature in individuals affected with FGG-related conditions. ClinVar contains an entry for this variant (Variation ID: 2911234). Invitae Evidence Modeling of protein sequence and biophysical properties (such as structural, functional, and spatial information, amino acid conservation, physicochemical variation, residue mobility, and thermodynamic stability) indicates that this missense variant is not expected to disrupt FGG protein function with a negative predictive value of 80%. In summary, the available evidence is currently insufficient to determine the role of this variant in disease. Therefore, it has been classified as a Variant of Uncertain Significance.